The following is an entry in ClinVar:

ClinVar aggregate classification (germline): Benign/Likely benign. Review status: criteria provided, multiple submitters, no conflicts (2 of 4 stars). 3 submissions from 3 submitters: Benign (1); Likely benign (2). Last evaluated 2026-07-09.

Conditions:
Hereditary cancer-predisposing syndrome. Also called: Hereditary Cancer Syndrome; Hereditary neoplastic syndrome; Neoplastic Syndromes, Hereditary; Tumor predisposition. Identifiers: Orphanet 140162, MedGen C0027672, MeSH D009386, MONDO:0015356.
Rhabdoid tumor predisposition syndrome 2 (RTPS2). Identifiers: Orphanet 231108, Orphanet 69077, MedGen C2750074, MONDO:0013224, OMIM 613325.

gnomAD v4.1: 2 of 1,612,842 alleles (0.00012%); highest among the groups gnomAD compares: Non-Finnish European, 0.00017%; no homozygotes.

Submissions (3):

Myriad Genetics, Inc.
Classification: Benign for Rhabdoid tumor predisposition syndrome 2. Last evaluated: 2026-07-09. Review status: criteria provided, single submitter. Criteria: Myriad Autosomal Dominant, Autosomal Recessive and X-Linked Classification Criteria (2023). Collection method: clinical testing. Allele origin: unknown.
Comment: This variant is considered benign. This variant is a silent/synonymous amino acid change and it is not expected to impact splicing.

Labcorp Genetics (formerly Invitae), Labcorp
Classification: Likely benign for Rhabdoid tumor predisposition syndrome 2. Last evaluated: 2023-08-03. Review status: criteria provided, single submitter. Criteria: Invitae Variant Classification Sherloc (09022015). Collection method: clinical testing. Allele origin: germline.

Ambry Genetics
Classification: Likely benign for Hereditary cancer-predisposing syndrome. Last evaluated: 2015-12-02. Review status: criteria provided, single submitter. Criteria: Ambry Variant Classification Scheme 2023. Collection method: clinical testing. Allele origin: germline.

NM_003072.5(SMARCA4):c.885C>A (p.Pro295=)

Gene: SMARCA4 (SWI/SNF related BAF chromatin remodeling complex subunit ATPase 4; plus strand). Cytogenetic location: 19p13.2.
Variant type: single nucleotide variant.
Coding change: c.885C>A on transcript NM_003072.5 (MANE Select); coding-DNA position 885, C replaced by A.
Protein change: p.Pro295=; no amino-acid change (proline 295 retained).
Molecular consequence: synonymous variant. On other transcripts: non-coding transcript variant (1).
Genome position (GRCh38, 1-based): chr19:10,987,691, C>A. VCF-style: chr19-10987691-C-A. GRCh37 (hg19) VCF-style: chr19-11098367-C-A.
Other names: c.885C>A, p.Pro295= (NM_001128844.3, NM_001128845.2, NM_001128846.2 and 5 more transcripts).
Identifiers: ClinVar variation 415041 (VCV000415041.14), dbSNP rs1060504429, ClinGen allele CA16616129.